The following is an entry in ClinVar:

ClinVar aggregate classification (germline): Uncertain significance (1 of 4 stars; one submission).

Submission:

Labcorp Genetics (formerly Invitae), Labcorp
Classification: Uncertain significance. Last evaluated: 2022-01-04. Review status: criteria provided, single submitter. Criteria: Invitae Variant Classification Sherloc (09022015). Collection method: clinical testing. Allele origin: germline.
Comment: In summary, the available evidence is currently insufficient to determine the role of this variant in disease. Therefore, it has been classified as a Variant of Uncertain Significance. Advanced modeling of protein sequence and biophysical properties (such as structural, functional, and spatial information, amino acid conservation, physicochemical variation, residue mobility, and thermodynamic stability) performed at Invitae indicates that this missense variant is not expected to disrupt LRP2 protein function. This variant has not been reported in the literature in individuals affected with LRP2-related conditions. This variant is not present in population databases (gnomAD no frequency). This sequence change replaces glutamic acid, which is acidic and polar, with lysine, which is basic and polar, at codon 2698 of the LRP2 protein (p.Glu2698Lys).

NM_004525.3(LRP2):c.8092G>A (p.Glu2698Lys)

Gene: LRP2 (LDL receptor related protein 2; minus strand). Cytogenetic location: 2q31.1.
Variant type: single nucleotide variant.
Coding change: c.8092G>A on transcript NM_004525.3 (MANE Select); coding-DNA position 8092, G replaced by A.
Protein change: p.Glu2698Lys; replaces glutamic acid 2698 with lysine.
Molecular consequence: missense variant.
Genome position (GRCh38, 1-based): chr2:169,202,873, C>T on the plus strand (G>A on the coding strand, the complement: LRP2 is on the minus strand). VCF-style: chr2-169202873-C-T. GRCh37 (hg19) VCF-style: chr2-170059383-C-T.
Other names: short protein forms E2698K.
Identifiers: ClinVar variation 1967766 (VCV001967766.5), dbSNP rs2545798294, ClinGen allele CA349166220.